The following is an entry in ClinVar:

ClinVar aggregate classification (germline): Uncertain significance (1 of 4 stars; one submission).

Conditions:
Candidiasis, familial, 9 (CANDF9). Identifiers: Orphanet 1334, MedGen C4225324, MONDO:0014642, OMIM 616445.

gnomAD v4.1: 1 of 1,614,180 alleles (0.000062%); highest among the groups gnomAD compares: Non-Finnish European, 0.000085%; no homozygotes.

Submission:

Labcorp Genetics (formerly Invitae), Labcorp
Classification: Uncertain significance for Candidiasis, familial, 9. Last evaluated: 2025-11-09. Review status: criteria provided, single submitter. Criteria: Invitae Variant Classification Sherloc (09022015). Collection method: clinical testing. Allele origin: germline.
Comment: This sequence change replaces glutamic acid, which is acidic and polar, with lysine, which is basic and polar, at codon 446 of the IL17RC protein (p.Glu446Lys). This variant is not present in population databases (gnomAD no frequency). This variant has not been reported in the literature in individuals affected with IL17RC-related conditions. An algorithm developed to predict the effect of missense changes on protein structure and function outputs the following: PolyPhen-2: "Benign". The lysine amino acid residue is found in multiple mammalian species, which suggests that this missense change does not adversely affect protein function. In summary, the available evidence is currently insufficient to determine the role of this variant in disease. Therefore, it has been classified as a Variant of Uncertain Significance.

NM_153460.4(IL17RC):c.1123G>A (p.Glu375Lys)

Gene: IL17RC (interleukin 17 receptor C; plus strand). Cytogenetic location: 3p25.3.
Variant type: single nucleotide variant.
Coding change: c.1123G>A on transcript NM_153460.4 (MANE Select); coding-DNA position 1123, G replaced by A.
Protein change: p.Glu375Lys; replaces glutamic acid 375 with lysine.
Molecular consequence: missense variant. On other transcripts: non-coding transcript variant (1).
Genome position (GRCh38, 1-based): chr3:9,929,864, G>A. VCF-style: chr3-9929864-G-A. GRCh37 (hg19) VCF-style: chr3-9971548-G-A.
Other names: c.1336G>A, p.Glu446Lys (NM_153461.4); c.1123G>A, p.Glu375Lys (NM_001203263.2); c.1072G>A, p.Glu358Lys (NM_001203264.2); c.1027G>A, p.Glu343Lys (NM_001203265.2, NM_001410711.1); c.1084G>A, p.Glu362Lys (NM_001367278.1); c.1003G>A, p.Glu335Lys (NM_001367279.1); c.1078G>A, p.Glu360Lys (NM_001367280.1, NM_032732.6); short protein forms E362K, E335K, E343K, E358K, E360K, E375K, E446K.
Identifiers: ClinVar variation 4768666 (VCV004768666.1).